The following is an entry in ClinVar:

NM_001278716.2(FBXL4):c.1788G>A (p.Ser596=)

Gene: FBXL4 (F-box and leucine rich repeat protein 4; minus strand). Cytogenetic location: 6q16.1.
Variant type: single nucleotide variant.
Coding change: c.1788G>A on transcript NM_001278716.2 (MANE Select); coding-DNA position 1788, G replaced by A.
Protein change: p.Ser596=; no amino-acid change (serine 596 retained).
Molecular consequence: synonymous variant. On other transcripts: non-coding transcript variant (1).
Genome position (GRCh38, 1-based): chr6:98,874,356, C>T on the plus strand (G>A on the coding strand, the complement: FBXL4 is on the minus strand). VCF-style: chr6-98874356-C-T. GRCh37 (hg19) VCF-style: chr6-99322232-C-T.
Other names: c.1788G>A, p.Ser596= (NM_012160.5).
Identifiers: ClinVar variation 437818 (VCV000437818.5), dbSNP rs745713189, ClinGen allele CA3933339.

ClinVar aggregate classification (germline): Conflicting classifications of pathogenicity. Review status: criteria provided, conflicting classifications (1 of 4 stars). 2 submissions from 2 submitters: Uncertain significance (1); Likely benign (1). Last evaluated 2022-05-28.

Conditions:
Mitochondrial DNA depletion syndrome 13. Also called: FBXL4-Related Encephalomyopathic Mitochondrial DNA Depletion Syndrome; Mitochondrial DNA depletion syndrome 13 (encephalomyopathic type). Identifiers: Orphanet 369897, MedGen C3809592, MONDO:0014198, OMIM 615471.

gnomAD v4.1: 16 of 1,612,844 alleles (0.00099%); highest among the groups gnomAD compares: South Asian, 0.0099%; no homozygotes.

Submissions (2):

Labcorp Genetics (formerly Invitae), Labcorp
Classification: Likely benign. Last evaluated: 2022-05-28. Review status: criteria provided, single submitter. Criteria: Invitae Variant Classification Sherloc (09022015). Collection method: clinical testing. Allele origin: germline.

Wong Mito Lab, Molecular and Human Genetics, Baylor College of Medicine
Classification: Uncertain significance for Mitochondrial DNA depletion syndrome 13. Last evaluated: 2017-08-10. Review status: criteria provided, single submitter. Criteria: ACMG Guidelines, 2015. Collection method: reference population. Allele origin: germline.
Comment: The NM_012160.4:c.1788G>A (NP_036292.2:p.Ser596=) [GRCH38: NC_000006.12:g.98874356C>T] variant in FBXL4 gene is interpretated to be a Uncertain Significance - Conflicting Evidence based on ACMG guidelines (PMID: 25741868). This variant meets one or more of the following evidence codes reported in the ACMG-guideline. PM2:This variant is absent in key population databases. BP4:Computational evidence/predictors indicate no impact on the FBXL4 structure, function, or protein-protein interaction. BP7:The variant is silent with non predicted splice impact. Based on this evidence code ClinGen Pathogenicity Calculator (PMID:28081714) suggested that the variant is Uncertain Significance - Conflicting Evidence.